The following is an entry in ClinVar:

NM_001371279.1(REEP1):c.106G>A (p.Val36Ile)

Gene: REEP1 (receptor accessory protein 1; minus strand). Cytogenetic location: 2p11.2.
Variant type: single nucleotide variant.
Coding change: c.106G>A on transcript NM_001371279.1 (MANE Select); coding-DNA position 106, G replaced by A.
Protein change: p.Val36Ile; replaces valine 36 with isoleucine.
Molecular consequence: missense variant.
Genome position (GRCh38, 1-based): chr2:86,264,041, C>T on the plus strand (G>A on the coding strand, the complement: REEP1 is on the minus strand). VCF-style: chr2-86264041-C-T. GRCh37 (hg19) VCF-style: chr2-86491164-C-T.
Other names: c.127G>A, p.Val43Ile (NM_001164730.2); c.25G>A, p.Val9Ile (NM_001164731.2); c.106G>A, p.Val36Ile (NM_001164732.2, NM_001371280.1, NM_001410855.1 and 2 more transcripts); short protein forms V36I, V43I, V9I.
Identifiers: ClinVar variation 3604047 (VCV003604047.2).

ClinVar aggregate classification (germline): Uncertain significance (1 of 4 stars; one submission).

Conditions:
Hereditary spastic paraplegia 31. Also called: SPASTIC PARAPLEGIA 31, AUTOSOMAL DOMINANT. Identifiers: Orphanet 101011, MedGen C1853247, MONDO:0012453, OMIM 610250.

gnomAD v4.1: 1 of 1,612,090 alleles (0.000062%); highest among the groups gnomAD compares: East Asian, 0.0022%; no homozygotes.

Submission:

Labcorp Genetics (formerly Invitae), Labcorp
Classification: Uncertain significance for Hereditary spastic paraplegia 31. Last evaluated: 2024-09-12. Review status: criteria provided, single submitter. Criteria: Invitae Variant Classification Sherloc (09022015). Collection method: clinical testing. Allele origin: germline.
Comment: This sequence change replaces valine, which is neutral and non-polar, with isoleucine, which is neutral and non-polar, at codon 36 of the REEP1 protein (p.Val36Ile). This variant is present in population databases (rs765204754, gnomAD 0.006%). This variant has not been reported in the literature in individuals affected with REEP1-related conditions. An algorithm developed to predict the effect of missense changes on protein structure and function (PolyPhen-2) suggests that this variant is likely to be tolerated. In summary, the available evidence is currently insufficient to determine the role of this variant in disease. Therefore, it has been classified as a Variant of Uncertain Significance.